The following is an entry in ClinVar:

NM_001001557.4(GDF6):c.251A>G (p.Glu84Gly)

Gene: GDF6 (growth differentiation factor 6; minus strand). Cytogenetic location: 8q22.1.
Variant type: single nucleotide variant.
Coding change: c.251A>G on transcript NM_001001557.4 (MANE Select); coding-DNA position 251, A replaced by G.
Protein change: p.Glu84Gly; replaces glutamic acid 84 with glycine.
Molecular consequence: missense variant.
Genome position (GRCh38, 1-based): chr8:96,160,442, T>C on the plus strand (A>G on the coding strand, the complement: GDF6 is on the minus strand). VCF-style: chr8-96160442-T-C. GRCh37 (hg19) VCF-style: chr8-97172670-T-C.
Other names: short protein forms E84G.
Identifiers: ClinVar variation 2942174 (VCV002942174.3), dbSNP rs2487849349, ClinGen allele CA371753642.

ClinVar aggregate classification (germline): Uncertain significance (1 of 4 stars; one submission).

Conditions:
Klippel-Feil syndrome 1, autosomal dominant (KFS1). Also called: CERVICAL VERTEBRAL FUSION, AUTOSOMAL DOMINANT. Identifiers: Orphanet 2345, MedGen C1861689, MONDO:0007306, OMIM 118100.
Isolated microphthalmia 4. Identifiers: Orphanet 2542, MedGen C2751307, MONDO:0013130, OMIM 613094.
Microphthalmia, isolated, with coloboma 6 (MCOPCB6). Also called: MICROPHTHALMIA/COLOBOMA 6; Microphthalmia with coloboma 6, digenic; Microphthalmia with coloboma 6. Identifiers: Orphanet 98938, MedGen C3150968, MONDO:0013376, OMIM 613703.
Leber congenital amaurosis 17 (LCA17). Identifiers: Orphanet 65, MedGen C3715164, MONDO:0014145, OMIM 615360.

Allele frequency attached by ClinVar (database versions not stated): gnomAD exomes below 0.00001.
gnomAD v4.1: 2 of 1,613,822 alleles (0.00012%); highest among the groups gnomAD compares: Non-Finnish European, 0.00017%; no homozygotes.

Submission:

Labcorp Genetics (formerly Invitae), Labcorp
Classification: Uncertain significance for Isolated microphthalmia 4; Leber congenital amaurosis 17; Klippel-Feil syndrome 1, autosomal dominant; Microphthalmia, isolated, with coloboma 6. Last evaluated: 2022-12-09. Review status: criteria provided, single submitter. Criteria: Invitae Variant Classification Sherloc (09022015). Collection method: clinical testing. Allele origin: germline.
Comment: Advanced modeling of protein sequence and biophysical properties (such as structural, functional, and spatial information, amino acid conservation, physicochemical variation, residue mobility, and thermodynamic stability) performed at Invitae indicates that this missense variant is not expected to disrupt GDF6 protein function. This variant has not been reported in the literature in individuals affected with GDF6-related conditions. This variant is not present in population databases (gnomAD no frequency). This sequence change replaces glutamic acid, which is acidic and polar, with glycine, which is neutral and non-polar, at codon 84 of the GDF6 protein (p.Glu84Gly). In summary, the available evidence is currently insufficient to determine the role of this variant in disease. Therefore, it has been classified as a Variant of Uncertain Significance.